The following is an entry in ClinVar:

NM_000742.4(CHRNA2):c.869C>T (p.Pro290Leu)

Gene: CHRNA2 (cholinergic receptor nicotinic alpha 2 subunit; minus strand). Cytogenetic location: 8p21.2.
Variant type: single nucleotide variant.
Coding change: c.869C>T on transcript NM_000742.4 (MANE Select); coding-DNA position 869, C replaced by T.
Protein change: p.Pro290Leu; replaces proline 290 with leucine.
Molecular consequence: missense variant.
Genome position (GRCh38, 1-based): chr8:27,463,574, G>A on the plus strand (C>T on the coding strand, the complement: CHRNA2 is on the minus strand). VCF-style: chr8-27463574-G-A. GRCh37 (hg19) VCF-style: chr8-27321091-G-A.
Other names: c.824C>T, p.Pro275Leu (NM_001282455.2); c.392C>T, p.Pro131Leu (NM_001347705.2, NM_001347706.2); c.275C>T, p.Pro92Leu (NM_001347707.2, NM_001347708.2); short protein forms P290L, P92L, P275L, P131L.
Identifiers: ClinVar variation 392001 (VCV000392001.10), dbSNP rs767619637, ClinGen allele CA4689586.

ClinVar aggregate classification (germline): Conflicting classifications of pathogenicity. Review status: criteria provided, conflicting classifications (1 of 4 stars). 4 submissions from 4 submitters: Uncertain significance (2); Likely benign (2). Last evaluated 2025-05-17.

Conditions:
Inborn genetic diseases. Identifiers: MedGen C0950123, MeSH D030342.
Familial sleep-related hypermotor epilepsy. Also called: Autosomal Dominant Sleep-Related Hypermotor (Hyperkinetic) Epilepsy. Identifiers: Orphanet 98784, MedGen C3696898, MONDO:0000030.
Autosomal dominant nocturnal frontal lobe epilepsy 4. Also called: CHRNA2-Related Nocturnal Frontal Lobe Epilepsy, Autosomal Dominant; EPILEPSY, FAMILIAL, WITH NOCTURNAL WANDERING AND ICTAL FEAR. Identifiers: Orphanet 98784, MedGen C1835905, MONDO:0012474, OMIM 610353.

Allele frequency attached by ClinVar (database versions not stated): gnomAD exomes 0.00001 and 0.00004; TOPMed 0.00001; ExAC 0.00002.
gnomAD v4.1: 12 of 1,614,230 alleles (0.00074%); highest among the groups gnomAD compares: Admixed American, 0.018%; no homozygotes.

Submissions (4):

Labcorp Genetics (formerly Invitae), Labcorp
Classification: Likely benign. Last evaluated: 2025-05-17. Review status: criteria provided, single submitter. Criteria: Invitae Variant Classification Sherloc (09022015). Collection method: clinical testing. Allele origin: germline.

Fulgent Genetics
Classification: Uncertain significance for Autosomal dominant nocturnal frontal lobe epilepsy 4. Last evaluated: 2021-09-10. Review status: criteria provided, single submitter. Criteria: ACMG Guidelines, 2015. Collection method: clinical testing. Allele origin: unknown.

Ambry Genetics
Classification: Likely benign for Inborn genetic diseases. Last evaluated: 2021-07-09. Review status: criteria provided, single submitter. Criteria: Ambry Variant Classification Scheme 2023. Collection method: clinical testing. Allele origin: germline.

GeneDx
Classification: Uncertain significance. Last evaluated: 2018-11-12. Review status: criteria provided, single submitter. Criteria: GeneDx Variant Classification (06012015). Collection method: clinical testing. Allele origin: germline. Affected: yes.
Comment: A variant of uncertain significance has been identified in the CHRNA2 gene. The P290L variant has not been published as a pathogenic variant, nor has it been reported as a benign variant to our knowledge. The P290L variant is observed on 11/33582 (0.03%) alleles from individuals of Latino background in large population cohorts, which is greater than expected for this disorder (Lek et al., 2016). The P290L variant is a semi-conservative amino acid substitution, which may impact secondary protein structure as these residues differ in some properties. This amino acid substitution is not predicted to occur within the transmembrane region of the protein, where the vast majority of pathogenic missense variants have been identified in association with epilepsy (Steinlein et al., 2010). However, in silico analysis, which includes protein predictors and evolutionary conservation, supports a deleterious effect. Therefore, based on the currently available information, it is unclear whether this variant is a pathogenic variant or a rare benign variant.